The following is an entry in ClinVar:

NM_031427.4(DNAL1):c.35C>T (p.Ala12Val)

Gene: DNAL1 (dynein axonemal light chain 1; plus strand). Cytogenetic location: 14q24.3.
Variant type: single nucleotide variant.
Coding change: c.35C>T on transcript NM_031427.4 (MANE Select); coding-DNA position 35, C replaced by T.
Protein change: p.Ala12Val; replaces alanine 12 with valine.
Molecular consequence: missense variant. On other transcripts: 5 prime UTR variant (1).
Genome position (GRCh38, 1-based): chr14:73,654,878, C>T. VCF-style: chr14-73654878-C-T. GRCh37 (hg19) VCF-style: chr14-74121581-C-T.
Other names: c.-83C>T (NM_001201366.2); short protein forms A12V.
Identifiers: ClinVar variation 578088 (VCV000578088.6), dbSNP rs948104206, ClinGen allele CA262642831.

ClinVar aggregate classification (germline): Uncertain significance (1 of 4 stars; one submission).

Conditions:
Primary ciliary dyskinesia 16. Also called: CILIARY DYSKINESIA, PRIMARY, 16, WITH OR WITHOUT SITUS INVERSUS. Identifiers: Orphanet 244, MedGen C3151460, MONDO:0013525, OMIM 614017.

Allele frequency attached by ClinVar (database versions not stated): gnomAD 0.00001; gnomAD exomes 0.00001.
gnomAD v4.1: 20 of 1,537,808 alleles (0.0013%); highest among the groups gnomAD compares: Non-Finnish European, 0.0017%; no homozygotes.

Submission:

Labcorp Genetics (formerly Invitae), Labcorp
Classification: Uncertain significance for Primary ciliary dyskinesia 16. Last evaluated: 2025-09-17. Review status: criteria provided, single submitter. Criteria: Invitae Variant Classification Sherloc (09022015). Collection method: clinical testing. Allele origin: germline.
Comment: This sequence change replaces alanine, which is neutral and non-polar, with valine, which is neutral and non-polar, at codon 12 of the DNAL1 protein (p.Ala12Val). This variant is not present in population databases (gnomAD no frequency). This variant has not been reported in the literature in individuals affected with DNAL1-related conditions. ClinVar contains an entry for this variant (Variation ID: 578088). An algorithm developed to predict the effect of missense changes on protein structure and function (PolyPhen-2) suggests that this variant is likely to be tolerated. In summary, the available evidence is currently insufficient to determine the role of this variant in disease. Therefore, it has been classified as a Variant of Uncertain Significance.